The following is an entry in ClinVar:

ClinVar aggregate classification (germline): Pathogenic/Likely pathogenic. Review status: criteria provided, multiple submitters, no conflicts (2 of 4 stars). 4 submissions from 4 submitters: Pathogenic (2); Likely pathogenic (1). 1 of the submissions does not count toward it. Last evaluated 2025-03-22.

Conditions:
Alstrom syndrome (ALMS). Identifiers: Orphanet 64, MedGen C0268425, MONDO:0008763, OMIM 203800.
ALMS1-related disorder. Also called: ALMS1-related condition.

Submissions (4):

Natera, Inc.
Classification: Pathogenic for Alstrom syndrome. Last evaluated: 2025-03-22. Review status: criteria provided, single submitter. Criteria: Natera Variant Classification Schema (03/2026). Collection method: clinical testing. Allele origin: germline.
Comment: The c.11086dupA variant in ALMS1 is a frameshift variant predicted to shift the reading frame beginning at codon 3696 and leads to a stop codon 13 codons downstream. This variant is expected to result in nonsense mediated decay, truncation, or a dysfunctional protein product. This variant is rare in the general population with a frequency below the threshold expected for the associated phenotype(s). This variant has been observed in one or more individuals affected with the associated recessive disease, as either homozygous or compound heterozygous with a second variant (PMID: 32944671). Given the available evidence, this variant is classified as Pathogenic.

Labcorp Genetics (formerly Invitae), Labcorp
Classification: Pathogenic for Alstrom syndrome. Last evaluated: 2023-11-27. Review status: criteria provided, single submitter. Criteria: Invitae Variant Classification Sherloc (09022015). Collection method: clinical testing. Allele origin: germline.
Comment: This sequence change creates a premature translational stop signal (p.Ser3696Lysfs*13) in the ALMS1 gene. It is expected to result in an absent or disrupted protein product. Loss-of-function variants in ALMS1 are known to be pathogenic (PMID: 17594715). This variant is not present in population databases (gnomAD no frequency). This premature translational stop signal has been observed in individual(s) with Alström syndrome (PMID: 32944671). In at least one individual the data is consistent with being in trans (on the opposite chromosome) from a pathogenic variant. ClinVar contains an entry for this variant (Variation ID: 865872). For these reasons, this variant has been classified as Pathogenic.

Blueprint Genetics
Classification: Likely pathogenic for ALMS1-related disorders. Last evaluated: 2019-01-31. Review status: criteria provided, single submitter. Criteria: ACMG Guidelines, 2015. Collection method: clinical testing. Allele origin: germline. Affected: yes. Observed: 1 variant allele.

PreventionGenetics, part of Exact Sciences
Classification: Pathogenic for ALMS1-related condition. Last evaluated: 2024-08-02. Review status: no assertion criteria provided. Collection method: clinical testing. Allele origin: germline. Not counted in ClinVar's aggregate classification.
Comment: The ALMS1 c.11080dupA variant is predicted to result in a frameshift and premature protein termination (p.Ser3694Lysfs*13). This variant has been reported in the compound heterozygous state in an individual with Alström syndrome (described as c.11086dup (p.Ser3696Lysfs*13), Etheridge et al. 2020. PubMed ID: 32944671). This variant has not been reported in a large population database, indicating this variant is rare. Frameshift variants in ALMS1 are expected to be pathogenic. This variant is interpreted as pathogenic.

Literature cited by the submitters: PubMed 32944671 (cited by Natera, Inc. and Labcorp Genetics (formerly Invitae), Labcorp); PubMed 17594715 (cited by Labcorp Genetics (formerly Invitae), Labcorp).

NM_001378454.1(ALMS1):c.11083dup (p.Ser3695fs)

Gene: ALMS1 (ALMS1 centrosome and basal body associated protein; plus strand). Cytogenetic location: 2p13.1.
Variant type: Duplication.
Coding change: c.11083dup on transcript NM_001378454.1 (MANE Select); coding-DNA position 11083, one base duplicated (A; older notation c.11083dupA).
Protein change: p.Ser3695fs; shifts the reading frame from serine 3695.
Molecular consequence: frameshift variant.
Genome position (GRCh38, 1-based): chr2:73,572,960, A duplicated; the last of 7 consecutive A bases (chr2:73,572,954-73,572,960); duplicating any one gives the same sequence. VCF-style (leftmost placement, unchanged base first): chr2-73572953-T-TA. GRCh37 (hg19) VCF-style: chr2-73800080-T-TA.
Other names: c.11080dupA (NM_015120.4); c.11086dup, p.Ser3696fs (NM_015120.4); c.11086dupA (NM_015120.4); short protein forms S3696fs, S3695fs.
Identifiers: ClinVar variation 865872 (VCV000865872.10), dbSNP rs1412574975, ClinGen allele CA892826730.